The following is an entry in ClinVar:

ClinVar aggregate classification (germline): Uncertain significance (1 of 4 stars; one submission).

Conditions:
Myoclonic dystonia 11 (DYT11). Also called: DYT-SGCE; Myoclonic dystonia; Dystonia 11; Dystonia, alcohol responsive; Hereditary essential myoclonus; SGCE Myoclonus-Dystonia. Identifiers: Orphanet 36899, MedGen C1834570, MONDO:0008044, OMIM 159900.

Submission:

Labcorp Genetics (formerly Invitae), Labcorp
Classification: Uncertain significance for Myoclonic dystonia 11. Last evaluated: 2025-09-02. Review status: criteria provided, single submitter. Criteria: Invitae Variant Classification Sherloc (09022015). Collection method: clinical testing. Allele origin: germline.
Comment: This sequence change replaces glutamine, which is neutral and polar, with arginine, which is basic and polar, at codon 250 of the SGCE protein (p.Gln250Arg). This variant is not present in population databases (gnomAD no frequency). This variant has not been reported in the literature in individuals affected with SGCE-related conditions. ClinVar contains an entry for this variant (Variation ID: 2692743). Invitae Evidence Modeling of protein sequence and biophysical properties (such as structural, functional, and spatial information, amino acid conservation, physicochemical variation, residue mobility, and thermodynamic stability) indicates that this missense variant is not expected to disrupt SGCE protein function with a negative predictive value of 80%. In summary, the available evidence is currently insufficient to determine the role of this variant in disease. Therefore, it has been classified as a Variant of Uncertain Significance.

NM_003919.3(SGCE):c.749A>G (p.Gln250Arg)

Genes: CASD1 (CAS1 domain sialic acid O acetyltransferase 1; plus strand), SGCE (sarcoglycan epsilon; minus strand). Cytogenetic location: 7q21.3.
Variant type: single nucleotide variant.
Coding change: c.749A>G on transcript NM_003919.3 (MANE Select); coding-DNA position 749, A replaced by G.
Protein change: p.Gln250Arg; replaces glutamine 250 with arginine.
Molecular consequence: missense variant.
Genome position (GRCh38, 1-based): chr7:94,603,366, T>C on the plus strand (A>G on the coding strand, the complement: SGCE is on the minus strand). VCF-style: chr7-94603366-T-C. GRCh37 (hg19) VCF-style: chr7-94232678-T-C.
Other names: c.749A>G, p.Gln250Arg (NM_001099400.2, NM_001099401.2, NM_001346717.2); c.626A>G, p.Gln209Arg (NM_001301139.2, NM_001362809.2); c.857A>G, p.Gln286Arg (NM_001346713.2, NM_001346715.2); c.662A>G, p.Gln221Arg (NM_001346719.2, NM_001362807.2); c.476A>G, p.Gln159Arg (NM_001346720.2, NM_001362808.2); short protein forms Q209R, Q221R, Q159R, Q250R, Q286R.
Identifiers: ClinVar variation 2692743 (VCV002692743.3), dbSNP rs2484973702, ClinGen allele CA368232208.
Genomic context (GRCh38, chr7:94,603,366, plus strand): 5'-CAGTCAATGTAAAATTGAGTACGAAATTTTTTATCACATGTTATTACAGGCTCCATTTCT[T>C]GACTACATCTCAATTGATTCTGTGGATTTTCAACTTCTCGTAAACAAGAAGAAAACGGGA-3'
Protein context (NP_003910.1, residues 240-260): ENPQNQLRCS[Gln250Arg]EMEPVITCDK